The following is an entry in ClinVar:

ClinVar aggregate classification (germline): Uncertain significance. Review status: criteria provided, multiple submitters, no conflicts (2 of 4 stars). 3 submissions from 3 submitters: Uncertain significance (3). Last evaluated 2026-02-01.

Conditions:
Inborn genetic diseases. Identifiers: MedGen C0950123, MeSH D030342.
Congenital myasthenic syndrome 4A. Also called: Myasthenic syndrome, congenital, 4a, slow-channel; MYASTHENIC SYNDROME, CONGENITAL, 4A, SLOW-CHANNEL, AUTOSOMAL RECESSIVE; CONGENITAL MYASTHENIC SYNDROME TYPE Ia1. Identifiers: Orphanet 590, MedGen C4225413, MONDO:0011600, OMIM 605809.

Allele frequency attached by ClinVar (database versions not stated): gnomAD 0.00001; TOPMed 0.00001.
gnomAD v4.1: 4 of 1,604,610 alleles (0.00025%); highest among the groups gnomAD compares: East Asian, 0.0022%; no homozygotes.

Submissions (3):

Labcorp Genetics (formerly Invitae), Labcorp
Classification: Uncertain significance for Congenital myasthenic syndrome 4A. Last evaluated: 2026-02-01. Review status: criteria provided, single submitter. Criteria: Invitae Variant Classification Sherloc (09022015). Collection method: clinical testing. Allele origin: germline.
Comment: This sequence change replaces glycine, which is neutral and non-polar, with alanine, which is neutral and non-polar, at codon 469 of the CHRNE protein (p.Gly469Ala). This variant is not present in population databases (gnomAD no frequency). This variant has not been reported in the literature in individuals affected with CHRNE-related conditions. ClinVar contains an entry for this variant (Variation ID: 2440063). Invitae Evidence Modeling of protein sequence and biophysical properties (such as structural, functional, and spatial information, amino acid conservation, physicochemical variation, residue mobility, and thermodynamic stability) has been performed for this missense variant. However, the output from this modeling did not meet the statistical confidence thresholds required to predict the impact of this variant on CHRNE protein function. In summary, the available evidence is currently insufficient to determine the role of this variant in disease. Therefore, it has been classified as a Variant of Uncertain Significance.

Ambry Genetics
Classification: Uncertain significance for Inborn genetic diseases. Last evaluated: 2025-02-21. Review status: criteria provided, single submitter. Criteria: Ambry Variant Classification Scheme 2023. Collection method: clinical testing. Allele origin: germline.

Revvity Omics, Revvity
Classification: Uncertain significance. Last evaluated: 2019-01-03. Review status: criteria provided, single submitter. Criteria: ACMG Guidelines, 2015. Collection method: clinical testing. Allele origin: germline.

NM_000080.4(CHRNE):c.1406G>C (p.Gly469Ala)

Gene: CHRNE (cholinergic receptor nicotinic epsilon subunit; minus strand). Cytogenetic location: 17p13.2.
Variant type: single nucleotide variant.
Coding change: c.1406G>C on transcript NM_000080.4 (MANE Select); coding-DNA position 1406, G replaced by C.
Protein change: p.Gly469Ala; replaces glycine 469 with alanine.
Molecular consequence: missense variant.
Genome position (GRCh38, 1-based): chr17:4,898,812, C>G on the plus strand (G>C on the coding strand, the complement: CHRNE is on the minus strand). VCF-style: chr17-4898812-C-G. GRCh37 (hg19) VCF-style: chr17-4802107-C-G.
Other names: short protein forms G469A.
Identifiers: ClinVar variation 2440063 (VCV002440063.5), dbSNP rs1346830083, ClinGen allele CA397297549.